The following is an entry in ClinVar:

ClinVar aggregate classification (germline): Likely benign. Review status: criteria provided, multiple submitters, no conflicts (2 of 4 stars). 2 submissions from 2 submitters: Likely benign (2). Last evaluated 2025-11-18.

Allele frequency attached by ClinVar (database versions not stated): gnomAD exomes 0.00002 and 0.00004; ExAC 0.00006; 1000 Genomes Project 30x 0.00016; ESP Exome Variant Server 0.00017; gnomAD 0.00017 and 0.00019; TOPMed 0.00021.
gnomAD v4.1: 64 of 1,593,892 alleles (0.004%); highest among the groups gnomAD compares: African/African-American, 0.071%; no homozygotes.

Submissions (2):

Labcorp Genetics (formerly Invitae), Labcorp
Classification: Likely benign. Last evaluated: 2025-11-18. Review status: criteria provided, single submitter. Criteria: Invitae Variant Classification Sherloc (09022015). Collection method: clinical testing. Allele origin: germline.

CeGaT Center for Human Genetics Tuebingen
Classification: Likely benign. Last evaluated: 2024-10-01. Review status: criteria provided, single submitter. Criteria: CeGaT Center For Human Genetics Tuebingen Variant Classification Criteria Version 2. Collection method: clinical testing. Allele origin: germline. Affected: yes. Observed: 1 variant allele.
Comment: GP9: BP4, BP7

NM_000174.5(GP9):c.387C>T (p.Gly129=)

Gene: GP9 (glycoprotein IX platelet; plus strand). Cytogenetic location: 3q21.3.
Variant type: single nucleotide variant.
Coding change: c.387C>T on transcript NM_000174.5 (MANE Select); coding-DNA position 387, C replaced by T.
Protein change: p.Gly129=; no amino-acid change (glycine 129 retained).
Molecular consequence: synonymous variant.
Genome position (GRCh38, 1-based): chr3:129,062,126, C>T. VCF-style: chr3-129062126-C-T. GRCh37 (hg19) VCF-style: chr3-128780969-C-T.
Identifiers: ClinVar variation 1088777 (VCV001088777.23), dbSNP rs376032777, ClinGen allele CA2602708.